The following is an entry in ClinVar:

NM_198334.3(GANAB):c.2267C>G (p.Pro756Arg)

Gene: GANAB (glucosidase II alpha subunit; minus strand). Cytogenetic location: 11q12.3.
Variant type: single nucleotide variant.
Coding change: c.2267C>G on transcript NM_198334.3 (MANE Select); coding-DNA position 2267, C replaced by G.
Protein change: p.Pro756Arg; replaces proline 756 with arginine.
Molecular consequence: missense variant.
Genome position (GRCh38, 1-based): chr11:62,627,103, G>C on the plus strand (C>G on the coding strand, the complement: GANAB is on the minus strand). VCF-style: chr11-62627103-G-C. GRCh37 (hg19) VCF-style: chr11-62394575-G-C.
Other names: c.1991C>G, p.Pro664Arg (NM_001278192.2); c.1925C>G, p.Pro642Arg (NM_001278193.2); c.1976C>G, p.Pro659Arg (NM_001278194.2, NM_001329222.2, NM_001329223.2); c.1544C>G, p.Pro515Arg (NM_001329224.2, NM_001329225.2); c.2333C>G, p.Pro778Arg (NM_198335.4); short protein forms P515R, P642R, P659R, P664R, P756R, P778R.
Identifiers: ClinVar variation 2571872 (VCV002571872.1), dbSNP rs2496300874, ClinGen allele CA380988463.

ClinVar aggregate classification (germline): Uncertain significance (1 of 4 stars; one submission).

Submission:

GeneDx
Classification: Uncertain significance. Last evaluated: 2023-01-05. Review status: criteria provided, single submitter. Criteria: GeneDx Variant Classification Process June 2021. Collection method: clinical testing. Allele origin: germline. Affected: yes.
Comment: Not observed at significant frequency in large population cohorts (gnomAD); In silico analysis supports that this missense variant has a deleterious effect on protein structure/function; Has not been previously published as pathogenic or benign to our knowledge